The following is an entry in ClinVar:

ClinVar aggregate classification (germline): Pathogenic (1 of 4 stars; one submission).

Submission:

Labcorp Genetics (formerly Invitae), Labcorp
Classification: Pathogenic. Last evaluated: 2023-07-18. Review status: criteria provided, single submitter. Criteria: Invitae Variant Classification Sherloc (09022015). Collection method: clinical testing. Allele origin: germline.
Comment: This variant is not present in population databases (gnomAD no frequency). For these reasons, this variant has been classified as Pathogenic. This variant disrupts a region of the PEPD protein in which other variant(s) (p.Gly448Arg) have been determined to be pathogenic (PMID: 8198124, 12384772, 17142620, 25460580). This suggests that this is a clinically significant region of the protein, and that variants that disrupt it are likely to be disease-causing. This variant has not been reported in the literature in individuals affected with PEPD-related conditions. This sequence change creates a premature translational stop signal (p.Asn436Leufs*2) in the PEPD gene. While this is not anticipated to result in nonsense mediated decay, it is expected to disrupt the last 58 amino acid(s) of the PEPD protein.

Literature cited by the submitters: PubMed 8198124; PubMed 12384772; PubMed 17142620; PubMed 25460580.

NM_000285.4(PEPD):c.1305_1306insCTTT (p.Asn436delinsLeuTer)

Gene: PEPD (peptidase D; minus strand). Cytogenetic location: 19q13.11.
Variant type: Insertion.
Coding change: c.1305_1306insCTTT on transcript NM_000285.4 (MANE Select); coding-DNA positions 1305 to 1306, CTTT inserted.
Protein change: p.Asn436delinsLeuTer.
Molecular consequence: nonsense.
Genome position: GRCh38 VCF-style: chr19-33387928-T-TAAAG. GRCh37 (hg19) VCF-style: chr19-33878834-T-TAAAG.
Other names: c.1182_1183insCTTT, p.Asn395delinsLeuTer (NM_001166056.2); c.1113_1114insCTTT, p.Asn372delinsLeuTer (NM_001166057.2).
Identifiers: ClinVar variation 2869763 (VCV002869763.3), dbSNP rs2513375040, ClinGen allele CA2739276643.